The following is an entry in ClinVar:

ClinVar aggregate classification (germline): Uncertain significance. Review status: criteria provided, multiple submitters, no conflicts (2 of 4 stars). 2 submissions from 2 submitters: Uncertain significance (2). Last evaluated 2026-08-29.

Conditions:
Cardiovascular phenotype. Identifiers: MedGen CN230736.

Allele frequency attached by ClinVar (database versions not stated): gnomAD exomes below 0.00001.
gnomAD v4.1: 3 of 1,610,508 alleles (0.00019%); highest among the groups gnomAD compares: South Asian, 0.0011%; no homozygotes.

Submissions (2):

Ambry Genetics
Classification: Uncertain significance for Cardiovascular phenotype. Last evaluated: 2026-08-29. Review status: criteria provided, single submitter. Criteria: Ambry Variant Classification Scheme 2023. Collection method: clinical testing. Allele origin: germline.
Comment: The p.H5D variant (also known as c.13C>G), located in coding exon 1 of the CASQ2 gene, results from a C to G substitution at nucleotide position 13. The histidine at codon 5 is replaced by aspartic acid, an amino acid with similar properties. This amino acid position is conserved. In addition, this alteration is predicted to be tolerated by in silico analysis. Based on the available evidence, the clinical significance of this variant remains unclear.

GeneDx
Classification: Uncertain significance. Last evaluated: 2019-10-24. Review status: criteria provided, single submitter. Criteria: GeneDx Variant Classification Process June 2021. Collection method: clinical testing. Allele origin: germline. Affected: yes.
Comment: Has not been previously published as pathogenic or benign to our knowledge; Not observed in large population cohorts (Lek et al., 2016); In silico analysis, which includes protein predictors and evolutionary conservation, supports that this variant does not alter protein structure/function

NM_001232.4(CASQ2):c.13C>G (p.His5Asp)

Gene: CASQ2 (calsequestrin 2; minus strand). Cytogenetic location: 1p13.1.
Variant type: single nucleotide variant.
Coding change: c.13C>G on transcript NM_001232.4 (MANE Select); coding-DNA position 13, C replaced by G.
Protein change: p.His5Asp; replaces histidine 5 with aspartic acid.
Molecular consequence: missense variant.
Genome position (GRCh38, 1-based): chr1:115,768,529, G>C on the plus strand (C>G on the coding strand, the complement: CASQ2 is on the minus strand). VCF-style: chr1-115768529-G-C. GRCh37 (hg19) VCF-style: chr1-116311150-G-C.
Other names: short protein forms H5D.
Identifiers: ClinVar variation 1303305 (VCV001303305.3), dbSNP rs1649206958, ClinGen allele CA341767452.